The following is an entry in ClinVar:

NM_001195263.2(PDZD7):c.2932C>A (p.Gln978Lys)

Gene: PDZD7 (PDZ domain containing 7; minus strand). Cytogenetic location: 10q24.31.
Variant type: single nucleotide variant.
Coding change: c.2932C>A on transcript NM_001195263.2 (MANE Select); coding-DNA position 2932, C replaced by A.
Protein change: p.Gln978Lys; replaces glutamine 978 with lysine.
Molecular consequence: missense variant.
Genome position (GRCh38, 1-based): chr10:101,008,637, G>T on the plus strand (C>A on the coding strand, the complement: PDZD7 is on the minus strand). VCF-style: chr10-101008637-G-T. GRCh37 (hg19) VCF-style: chr10-102768394-G-T.
Other names: short protein forms Q978K.
Identifiers: ClinVar variation 862593 (VCV000862593.10), dbSNP rs149904839, ClinGen allele CA5653934.

ClinVar aggregate classification (germline): Uncertain significance. Review status: criteria provided, multiple submitters, no conflicts (2 of 4 stars). 4 submissions from 4 submitters: Uncertain significance (4). Last evaluated 2026-05-27.

Conditions:
PDZD7-related disorder. Also called: PDZD7-related condition; PDZD7-related disorders.

Allele frequency attached by ClinVar (database versions not stated): gnomAD exomes 0.00006 and 0.00011; gnomAD 0.00029 and 0.00034; ExAC 0.00040; TOPMed 0.00042; 1000 Genomes Project 0.00200.

Submissions (4):

PreventionGenetics, part of Exact Sciences
Classification: Uncertain significance for PDZD7-related condition. Last evaluated: 2026-05-27. Review status: criteria provided, single submitter. Criteria: ACMG Guidelines, 2015. Collection method: clinical testing. Allele origin: germline.
Comment: The PDZD7 c.2932C>A variant is predicted to result in the amino acid substitution p.Gln978Lys. To our knowledge, this variant has not been reported in the literature. This variant is reported in 0.11% of alleles in individuals of African descent in gnomAD. Although we suspect that this variant may be benign, at this time, the clinical significance of this variant is uncertain due to the absence of conclusive functional and genetic evidence.

Blueprint Genetics
Classification: Uncertain significance. Last evaluated: 2024-10-17. Review status: criteria provided, single submitter. Criteria: ACMG Guidelines, 2015. Collection method: clinical testing. Allele origin: germline.

GeneDx
Classification: Uncertain significance. Last evaluated: 2023-10-13. Review status: criteria provided, single submitter. Criteria: GeneDx Variant Classification Process June 2021. Collection method: clinical testing. Allele origin: germline. Affected: yes.
Comment: In silico analysis, which includes protein predictors and evolutionary conservation, supports that this variant does not alter protein structure/function; Has not been previously published as pathogenic or benign to our knowledge

Labcorp Genetics (formerly Invitae), Labcorp
Classification: Uncertain significance. Last evaluated: 2022-11-01. Review status: criteria provided, single submitter. Criteria: Invitae Variant Classification Sherloc (09022015). Collection method: clinical testing. Allele origin: germline.
Comment: This sequence change replaces glutamine, which is neutral and polar, with lysine, which is basic and polar, at codon 978 of the PDZD7 protein (p.Gln978Lys). This variant is present in population databases (rs149904839, gnomAD 0.1%). This variant has not been reported in the literature in individuals affected with PDZD7-related conditions. ClinVar contains an entry for this variant (Variation ID: 862593). Algorithms developed to predict the effect of missense changes on protein structure and function are either unavailable or do not agree on the potential impact of this missense change (SIFT: "Deleterious"; PolyPhen-2: "Not Available"; Align-GVGD: "Class C0"). In summary, the available evidence is currently insufficient to determine the role of this variant in disease. Therefore, it has been classified as a Variant of Uncertain Significance.